The following is an entry in ClinVar:

ClinVar aggregate classification (germline): Likely benign. Review status: criteria provided, multiple submitters, no conflicts (2 of 4 stars). 3 submissions from 3 submitters: Likely benign (3). Last evaluated 2026-09-01.

Conditions:
Cardiovascular phenotype. Identifiers: MedGen CN230736.
Arrhythmogenic right ventricular dysplasia 10. Also called: Arrhythmogenic Right Ventricular Dysplasia/Cardiomyopathy10; ARRHYTHMOGENIC RIGHT VENTRICULAR DYSPLASIA, FAMILIAL, 10; Arrhythmogenic right ventricular dysplasia/cardiomyopathy, type 10. Identifiers: MedGen C1857777, MONDO:0012434, OMIM 610193.

gnomAD v4.1: 5 of 1,265,650 alleles (0.0004%); highest among the groups gnomAD compares: Admixed American, 0.004%; no homozygotes.

Submissions (3):

CeGaT Center for Human Genetics Tuebingen
Classification: Likely benign. Last evaluated: 2026-09-01. Review status: criteria provided, single submitter. Criteria: CeGaT Center For Human Genetics Tuebingen Variant Classification Criteria Version 2. Collection method: clinical testing. Allele origin: germline. Affected: yes. Observed: 1 variant allele.
Comment: DSG2: BP4, BP7

Labcorp Genetics (formerly Invitae), Labcorp
Classification: Likely benign for Arrhythmogenic right ventricular dysplasia 10. Last evaluated: 2023-02-05. Review status: criteria provided, single submitter. Criteria: Invitae Variant Classification Sherloc (09022015). Collection method: clinical testing. Allele origin: germline.

Ambry Genetics
Classification: Likely benign for Cardiovascular phenotype. Last evaluated: 2021-02-17. Review status: criteria provided, single submitter. Criteria: Ambry Variant Classification Scheme 2023. Collection method: clinical testing. Allele origin: germline.

NM_001943.5(DSG2):c.33G>C (p.Leu11=)

Genes: DSG2 (desmoglein 2; plus strand), LOC130062340 (ATAC-STARR-seq lymphoblastoid silent region 9384; plus strand). Cytogenetic location: 18q12.1.
Variant type: single nucleotide variant.
Coding change: c.33G>C on transcript NM_001943.5 (MANE Select); coding-DNA position 33, G replaced by C.
Protein change: p.Leu11=; no amino-acid change (leucine 11 retained).
Molecular consequence: synonymous variant.
Genome position (GRCh38, 1-based): chr18:31,498,284, G>C. VCF-style: chr18-31498284-G-C. GRCh37 (hg19) VCF-style: chr18-29078247-G-C.
Identifiers: ClinVar variation 1731044 (VCV001731044.6), dbSNP rs992417191, ClinGen allele CA503595762.